The following is an entry in ClinVar:

ClinVar aggregate classification (germline): not provided (0 of 4 stars; one submission).

Allele frequency attached by ClinVar (database versions not stated): gnomAD 0.00007 and 0.00011; gnomAD exomes 0.00012; TOPMed 0.00015; 1000 Genomes Project 30x 0.00078; 1000 Genomes Project 0.00080.
gnomAD v4.1: 81 of 706,062 alleles (0.011%); highest among the groups gnomAD compares: East Asian, 0.18%; no homozygotes.

Submission:

Human Evolutionary Genetics, Institut Pasteur
No classification provided. Review status: no classification provided. Collection method: not provided. Allele origin: germline.
ClinVar note: Converted during submission from untested to not provided.

NM_001384950.1(NLRC5):c.4584-134G>A

Gene: NLRC5 (NLR family CARD domain containing 5; plus strand). Cytogenetic location: 16q13.
Variant type: single nucleotide variant.
Coding change: c.4584-134G>A on transcript NM_001384950.1 (MANE Select); 134 bases into the intron before coding-DNA position 4584, G replaced by A.
Molecular consequence: intron variant.
Genome position (GRCh38, 1-based): chr16:57,070,401, G>A. VCF-style: chr16-57070401-G-A. GRCh37 (hg19) VCF-style: chr16-57104313-G-A.
Other names: c.4500-134G>A (NM_001384954.1); c.4581-134G>A (NM_001384953.1, NM_001384952.1); c.4494-134G>A (NM_001384957.1); c.4497-134G>A (NM_001384956.1, NM_001384951.1, NM_001384955.1 and 1 more transcripts); c.4407-134G>A (NM_001384959.1, NM_001384960.1); c.4584-134G>A (NM_032206.5); c.4410-134G>A (NM_001384958.1).
Identifiers: ClinVar variation 103198 (VCV000103198.2), dbSNP rs199476010, ClinGen allele CA230247.